The following is an entry in ClinVar:

ClinVar aggregate classification (germline): Pathogenic/Likely pathogenic. Review status: criteria provided, multiple submitters, no conflicts (2 of 4 stars). 2 submissions from 2 submitters: Pathogenic (1); Likely pathogenic (1). Last evaluated 2021-02-09.

Conditions:
Severe early-childhood-onset retinal dystrophy (STGD1). Also called: STGD; Stargardt macular dystrophy; Juvenile onset macular degeneration; Stargardt disease 1; MACULAR DYSTROPHY WITH FLECKS, TYPE 1. Identifiers: Orphanet 364055, Orphanet 827, MedGen C1855465, MeSH D000080362, MONDO:0009549, OMIM 248200.

Submissions (2):

Labcorp Genetics (formerly Invitae), Labcorp
Classification: Pathogenic. Last evaluated: 2021-02-09. Review status: criteria provided, single submitter. Criteria: Invitae Variant Classification Sherloc (09022015). Collection method: clinical testing. Allele origin: germline.
Comment: This sequence change creates a premature translational stop signal (p.Pro143Argfs*11) in the ABCA4 gene. It is expected to result in an absent or disrupted protein product. Loss-of-function variants in ABCA4 are known to be pathogenic (PMID: 10958761, 24938718, 25312043, 26780318). For these reasons, this variant has been classified as Pathogenic. This variant has been observed in individual(s) with Stargardt diseaase (PMID: 31543898). This variant is not present in population databases (ExAC no frequency).

Institute of Medical Molecular Genetics, University of Zurich
Classification: Likely pathogenic for Severe early-childhood-onset retinal dystrophy. Last evaluated: 2021-01-30. Review status: criteria provided, single submitter. Criteria: ACMG Guidelines, 2015. Collection method: clinical testing. Allele origin: unknown. Affected: yes.

Literature cited by the submitters: PubMed 10958761 (cited by Labcorp Genetics (formerly Invitae), Labcorp); PubMed 24938718 (cited by Labcorp Genetics (formerly Invitae), Labcorp); PubMed 25312043 (cited by Labcorp Genetics (formerly Invitae), Labcorp); PubMed 26780318 (cited by Labcorp Genetics (formerly Invitae), Labcorp); PubMed 31543898 (cited by Labcorp Genetics (formerly Invitae), Labcorp).

NM_000350.3(ABCA4):c.428del (p.Pro143fs)

Gene: ABCA4 (ATP binding cassette subfamily A member 4; minus strand). Cytogenetic location: 1p22.1.
Variant type: Deletion.
Coding change: c.428del on transcript NM_000350.3 (MANE Select); coding-DNA position 428, one base deleted (C; older notation c.428delC).
Protein change: p.Pro143fs; shifts the reading frame from proline 143.
Molecular consequence: frameshift variant.
Genome position (GRCh38, 1-based): chr1:94,108,591, G deleted on the plus strand (C on the coding strand, the reverse complement: ABCA4 is on the minus strand); the first of 3 consecutive G bases (chr1:94,108,591-94,108,593); deleting any one gives the same sequence. VCF-style (leftmost placement, unchanged base first): chr1-94108590-CG-C. GRCh37 (hg19) VCF-style: chr1-94574146-CG-C.
Other names: c.426delC, p.Pro143Argfs (NM_001425324.1); short protein forms P143fs.
Identifiers: ClinVar variation 1048153 (VCV001048153.10), dbSNP rs1662504407, ClinGen allele CA1181446619.